The following is an entry in ClinVar:

ClinVar aggregate classification (germline): Uncertain significance (1 of 4 stars; one submission).

Conditions:
Renal cell carcinoma. Identifiers: Orphanet 217071, MedGen C0007134, MeSH D002292, MONDO:0005086, HP:0005584.

Submission:

Labcorp Genetics (formerly Invitae), Labcorp
Classification: Uncertain significance for Renal cell carcinoma. Last evaluated: 2024-01-17. Review status: criteria provided, single submitter. Criteria: Invitae Variant Classification Sherloc (09022015). Collection method: clinical testing. Allele origin: germline.
Comment: This sequence change replaces threonine, which is neutral and polar, with serine, which is neutral and polar, at codon 718 of the MET protein (p.Thr718Ser). This variant is not present in population databases (gnomAD no frequency). This variant has not been reported in the literature in individuals affected with MET-related conditions. Advanced modeling of protein sequence and biophysical properties (such as structural, functional, and spatial information, amino acid conservation, physicochemical variation, residue mobility, and thermodynamic stability) performed at Invitae indicates that this missense variant is not expected to disrupt MET protein function with a negative predictive value of 80%. In summary, the available evidence is currently insufficient to determine the role of this variant in disease. Therefore, it has been classified as a Variant of Uncertain Significance.

NM_000245.4(MET):c.2153C>G (p.Thr718Ser)

Gene: MET (MET proto-oncogene, receptor tyrosine kinase; plus strand). Cytogenetic location: 7q31.2.
Variant type: single nucleotide variant.
Coding change: c.2153C>G on transcript NM_000245.4 (MANE Select); coding-DNA position 2153, C replaced by G.
Protein change: p.Thr718Ser; replaces threonine 718 with serine.
Molecular consequence: missense variant.
Genome position (GRCh38, 1-based): chr7:116,758,509, C>G. VCF-style: chr7-116758509-C-G. GRCh37 (hg19) VCF-style: chr7-116398563-C-G.
Other names: c.2153C>G, p.Thr718Ser (NM_001127500.3, NM_001324401.3); c.863C>G, p.Thr288Ser (NM_001324402.2); short protein forms T718S, T288S.
Identifiers: ClinVar variation 2709857 (VCV002709857.3), dbSNP rs2116930901, ClinGen allele CA368980555.